The following is an entry in ClinVar:

ClinVar aggregate classification (germline): Conflicting classifications of pathogenicity. Review status: criteria provided, conflicting classifications (1 of 4 stars). 2 submissions from 2 submitters: Likely pathogenic (1); Uncertain significance (1). Last evaluated 2023-12-01.

Submissions (2):

CeGaT Center for Human Genetics Tuebingen
Classification: Likely pathogenic. Last evaluated: 2023-12-01. Review status: criteria provided, single submitter. Criteria: CeGaT Center For Human Genetics Tuebingen Variant Classification Criteria Version 2. Collection method: clinical testing. Allele origin: germline. Affected: yes. Observed: 1 variant allele.
Comment: TCF12: PM2, PM5, PM6, PP3, PS4:Supporting

Blueprint Genetics
Classification: Uncertain significance. Last evaluated: 2019-04-17. Review status: criteria provided, single submitter. Criteria: ACMG Guidelines, 2015. Collection method: clinical testing. Allele origin: germline.

NM_207037.2(TCF12):c.1870C>T (p.Leu624Phe)

Gene: TCF12 (transcription factor 12; plus strand). Cytogenetic location: 15q21.3.
Variant type: single nucleotide variant.
Coding change: c.1870C>T on transcript NM_207037.2 (MANE Select); coding-DNA position 1870, C replaced by T.
Protein change: p.Leu624Phe; replaces leucine 624 with phenylalanine.
Molecular consequence: missense variant.
Genome position (GRCh38, 1-based): chr15:57,273,154, C>T. VCF-style: chr15-57273154-C-T. GRCh37 (hg19) VCF-style: chr15-57565352-C-T.
Other names: c.1696C>T, p.Leu566Phe (NM_001322156.2); c.1798C>T, p.Leu600Phe (NM_001322157.3, NM_001322165.2, NM_003205.4 and 1 more transcripts); c.1624C>T, p.Leu542Phe (NM_001322158.2); c.1870C>T, p.Leu624Phe (NM_001322159.3, NM_001322162.2, NM_207036.2 and 1 more transcripts); c.1867C>T, p.Leu623Phe (NM_001322161.2, NM_001322152.2); c.1834C>T, p.Leu612Phe (NM_001322164.2); c.1288C>T, p.Leu430Phe (NM_207040.2); c.1360C>T, p.Leu454Phe (NM_001306219.3); and 2 more; short protein forms L364F, L405F, L430F, L454F, L542F, L566F, L600F, L612F.
Identifiers: ClinVar variation 3026516 (VCV003026516.23), dbSNP rs2551501289, ClinGen allele CA392592756.
Genomic context (GRCh38, chr15:57,273,154, plus strand): 5'-ATGGCTAACAATGCCAGAGAACGCTTACGCGTGCGGGATATTAATGAAGCATTCAAAGAG[C>T]TTGGCCGAATGTGTCAGCTTCACTTGAAGAGTGAAAAACCCCAAACAAAACTCCTTATTC-3'
Protein context (NP_996920.1, residues 614-634): VRDINEAFKE[Leu624Phe]GRMCQLHLKS